The following is an entry in ClinVar:

NM_003242.6(TGFBR2):c.1013C>A (p.Thr338Lys)

Gene: TGFBR2 (transforming growth factor beta receptor 2; plus strand). Cytogenetic location: 3p24.1.
Variant type: single nucleotide variant.
Coding change: c.1013C>A on transcript NM_003242.6 (MANE Select); coding-DNA position 1013, C replaced by A.
Protein change: p.Thr338Lys; replaces threonine 338 with lysine.
Molecular consequence: missense variant. On other transcripts: intron variant (1).
Genome position (GRCh38, 1-based): chr3:30,672,196, C>A. VCF-style: chr3-30672196-C-A. GRCh37 (hg19) VCF-style: chr3-30713688-C-A.
Other names: c.1088C>A, p.Thr363Lys (NM_001024847.3); c.1196C>A, p.Thr399Lys (NM_001407126.1); c.1121C>A, p.Thr374Lys (NM_001407127.1); c.1040C>A, p.Thr347Lys (NM_001407128.1); c.1016C>A, p.Thr339Lys (NM_001407129.1); c.1013C>A, p.Thr338Lys (NM_001407130.1); c.908C>A, p.Thr303Lys (NM_001407132.1, NM_001407133.1, NM_001407134.1 and 2 more transcripts); c.728C>A, p.Thr243Lys (NM_001407137.1); and 2 more; short protein forms T303K, T338K, T347K, T363K, T374K, T218K, T243K, T339K.
Identifiers: ClinVar variation 2449730 (VCV002449730.2), dbSNP rs752866783, ClinGen allele CA71528554.

ClinVar aggregate classification (germline): Uncertain significance (1 of 4 stars; one submission).

Conditions:
Familial thoracic aortic aneurysm and aortic dissection (TAAD). Also called: Thoracic aortic aneurysms and dissections. Identifiers: Orphanet 91387, MedGen C4707243, MONDO:0019625.

gnomAD v4.1: 7 of 1,612,256 alleles (0.00043%); highest among the groups gnomAD compares: Non-Finnish European, 0.00059%; no homozygotes.

Submission:

Ambry Genetics
Classification: Uncertain significance for Familial thoracic aortic aneurysm and aortic dissection. Last evaluated: 2023-01-05. Review status: criteria provided, single submitter. Criteria: Ambry Variant Classification Scheme 2023. Collection method: clinical testing. Allele origin: germline.
Comment: The p.T338K variant (also known as c.1013C>A), located in coding exon 4 of the TGFBR2 gene, results from a C to A substitution at nucleotide position 1013. The threonine at codon 338 is replaced by lysine, an amino acid with similar properties. This amino acid position is conserved. In addition, this alteration is predicted to be tolerated by in silico analysis. Since supporting evidence is limited at this time, the clinical significance of this alteration remains unclear.